The following is an entry in ClinVar:

NM_001367534.1(CAMK2G):c.763A>G (p.Ile255Val)

Gene: CAMK2G (calcium/calmodulin dependent protein kinase II gamma; minus strand). Cytogenetic location: 10q22.2.
Variant type: single nucleotide variant.
Coding change: c.763A>G on transcript NM_001367534.1 (MANE Select); coding-DNA position 763, A replaced by G.
Protein change: p.Ile255Val; replaces isoleucine 255 with valine.
Molecular consequence: missense variant. On other transcripts: non-coding transcript variant (8).
Genome position (GRCh38, 1-based): chr10:73,847,281, T>C on the plus strand (A>G on the coding strand, the complement: CAMK2G is on the minus strand). VCF-style: chr10-73847281-T-C. GRCh37 (hg19) VCF-style: chr10-75607039-T-C.
Other names: c.763A>G, p.Ile255Val (NM_001367528.1, NM_001367529.1, NM_001367530.1 and 28 more transcripts); c.739A>G, p.Ile247Val (NM_001367532.1, NM_001367514.1, NM_001367525.1); c.451A>G, p.Ile151Val (NM_001367537.1, NM_001367538.1); c.517A>G, p.Ile173Val (NM_001367539.1, NM_001367524.1); c.97A>G, p.Ile33Val (NM_001367540.1); c.10A>G, p.Ile4Val (NM_001367542.1); short protein forms I151V, I173V, I247V, I255V, I33V, I4V.
Identifiers: ClinVar variation 4882569 (VCV004882569.2).

ClinVar aggregate classification (germline): Uncertain significance (1 of 4 stars; one submission).

Conditions:
Intellectual developmental disorder 59. Also called: INTELLECTUAL DEVELOPMENTAL DISORDER, AUTOSOMAL DOMINANT 59; MENTAL RETARDATION, AUTOSOMAL DOMINANT 59. Identifiers: MedGen C5193190, MONDO:0032795, OMIM 618522.

Submission:

Dasa
Classification: Uncertain significance for Intellectual developmental disorder 59. Last evaluated: 2025-07-02. Review status: criteria provided, single submitter. Criteria: DASA Assertion Criteria. Collection method: clinical testing. Allele origin: germline.
Comment: NM_001367534.1(CAMK2G):c.763A>G (p.Ile255Val) is a missense variant that results in the substitution of isoleucine with valine. This variant is absent from population databases. Computational prediction algorithms are consistent with a benign effect. The currently available literature and clinical evidence are not sufficient to establish a definitive association between this variant and the reported condition. Therefore, this variant is classified as a variant of uncertain significance.